The following is an entry in ClinVar:

ClinVar aggregate classification (germline): Uncertain significance (1 of 4 stars; one submission).

Allele frequency attached by ClinVar (database versions not stated): gnomAD exomes 0.00001; TOPMed 0.00002.

Submission:

GeneDx
Classification: Uncertain significance. Last evaluated: 2017-01-04. Review status: criteria provided, single submitter. Criteria: GeneDx Variant Classification (06012015). Collection method: clinical testing. Allele origin: germline. Affected: yes.
Comment: The c.-16 C>G variant in the ORAI1 gene has not been published as a pathogenic variant, nor has it been reported as a benign variant to our knowledge. This variant occurs at a position that is conserved in mammals; however, in silico analysis predicts this variant likely does not alter the splicing of the ORAI1 gene. As no regulatory variants have been published in association with ORAI1-related disorders in the Human Gene Mutation Database (Stenson et al., 2014), it is unknown what effect this variant has on the gene or protein. Therefore, based on the currently available information, it is unclear whether this variant is a pathogenic variant or a rare benign variant.

NM_032790.4(ORAI1):c.-16C>G

Genes: ORAI1 (ORAI calcium release-activated calcium modulator 1; plus strand), LOC130008987 (ATAC-STARR-seq lymphoblastoid silent region 4981; plus strand). Cytogenetic location: 12q24.31.
Variant type: single nucleotide variant.
Coding change: c.-16C>G on transcript NM_032790.4 (MANE Select); 16 bases upstream of the start codon, C replaced by G.
Genome position (GRCh38, 1-based): chr12:121,626,727, C>G. VCF-style: chr12-121626727-C-G. GRCh37 (hg19) VCF-style: chr12-122064632-C-G.
Identifiers: ClinVar variation 392578 (VCV000392578.2), dbSNP rs1057524548, ClinGen allele CA16607113.